The following is an entry in ClinVar:

ClinVar aggregate classification (germline): Pathogenic (1 of 4 stars; one submission).

Conditions:
Epidermodysplasia verruciformis. Identifiers: Orphanet 302, MedGen C0014522, MONDO:0009176.

Allele frequency attached by ClinVar (database versions not stated): gnomAD 0.00001.
gnomAD v4.1: 1 of 1,613,390 alleles (0.000062%); highest among the groups gnomAD compares: Non-Finnish European, 0.000085%; no homozygotes.

Submission:

Labcorp Genetics (formerly Invitae), Labcorp
Classification: Pathogenic for Epidermodysplasia verruciformis. Last evaluated: 2023-11-19. Review status: criteria provided, single submitter. Criteria: Invitae Variant Classification Sherloc (09022015). Collection method: clinical testing. Allele origin: germline.
Comment: This sequence change creates a premature translational stop signal (p.Gln756*) in the TMC6 gene. It is expected to result in an absent or disrupted protein product. Loss-of-function variants in TMC6 are known to be pathogenic (PMID: 15042430, 17139267). This variant is not present in population databases (gnomAD no frequency). This variant has not been reported in the literature in individuals affected with TMC6-related conditions. For these reasons, this variant has been classified as Pathogenic.

Literature cited by the submitters: PubMed 15042430; PubMed 17139267.

NM_001127198.5(TMC6):c.2266C>T (p.Gln756Ter)

Gene: TMC6 (transmembrane channel like 6; minus strand). Cytogenetic location: 17q25.3.
Variant type: single nucleotide variant.
Coding change: c.2266C>T on transcript NM_001127198.5 (MANE Select); coding-DNA position 2266, C replaced by T.
Protein change: p.Gln756Ter; replaces glutamine 756 with a stop codon.
Molecular consequence: nonsense. On other transcripts: non-coding transcript variant (4).
Genome position (GRCh38, 1-based): chr17:78,117,280, G>A on the plus strand (C>T on the coding strand, the complement: TMC6 is on the minus strand). VCF-style: chr17-78117280-G-A. GRCh37 (hg19) VCF-style: chr17-76113361-G-A.
Other names: c.2266C>T, p.Gln756Ter (NM_001321185.1, NM_001374596.1, NM_001375353.1 and 2 more transcripts); c.2086C>T, p.Gln696Ter (NM_001374593.1, NM_001374594.1); short protein forms Q696*, Q756*.
Identifiers: ClinVar variation 2878605 (VCV002878605.3), dbSNP rs2074170793, ClinGen allele CA401224279.